The following is an entry in ClinVar:

NM_015204.3(THSD7A):c.526T>C (p.Tyr176His)

Gene: THSD7A (thrombospondin type 1 domain containing 7A; minus strand). Cytogenetic location: 7p21.3.
Variant type: single nucleotide variant.
Coding change: c.526T>C on transcript NM_015204.3 (MANE Select); coding-DNA position 526, T replaced by C.
Protein change: p.Tyr176His; replaces tyrosine 176 with histidine.
Molecular consequence: missense variant.
Genome position (GRCh38, 1-based): chr7:11,636,626, A>G on the plus strand (T>C on the coding strand, the complement: THSD7A is on the minus strand). VCF-style: chr7-11636626-A-G. GRCh37 (hg19) VCF-style: chr7-11676253-A-G.
Other names: short protein forms Y176H.
Identifiers: ClinVar variation 2631689 (VCV002631689.2), dbSNP rs2534328611, ClinGen allele CA366847969.

ClinVar aggregate classification (germline): Uncertain significance (1 of 4 stars; one submission).

Conditions:
THSD7A-related disorder. Also called: THSD7A-related condition.

Submission:

PreventionGenetics, part of Exact Sciences
Classification: Uncertain significance for THSD7A-related condition. Last evaluated: 2025-04-01. Review status: criteria provided, single submitter. Criteria: ACMG Guidelines, 2015. Collection method: clinical testing. Allele origin: germline.
Comment: The THSD7A c.526T>C variant is predicted to result in the amino acid substitution p.Tyr176His. To our knowledge, this variant has not been reported in the literature or in a large population database (gnomAD), indicating this variant is rare. At this time, the clinical significance of this variant is uncertain due to the absence of conclusive functional and genetic evidence.